The following is an entry in ClinVar:

NM_005360.5(MAF):c.476CCG[5] (p.Ala162_Val163insAla)

Gene: MAF (MAF bZIP transcription factor; minus strand). Cytogenetic location: 16q23.2.
Variant type: Microsatellite.
Coding change: c.476CCG[5] on transcript NM_005360.5 (MANE Select); five copies in a row of the 3-base unit CCG starting at c.476; the reference has four copies in a row; one copy, 3 bases duplicated.
Protein change: p.Ala162_Val163insAla.
Genome position (GRCh38, 1-based): chr16:79,599,416-79,599,418, CGG duplicated on the plus strand (CCG on the coding strand, the reverse complement: MAF is on the minus strand); duplicating any 3 consecutive bases within chr16:79,599,416-79,599,427 gives the same sequence; the position shown is the placement nearest the transcript's 3' end. VCF-style (leftmost placement, unchanged base first): chr16-79599415-A-ACGG. GRCh37 (hg19) VCF-style: chr16-79633312-A-ACGG.
Other names: c.485_487dupCCG (NM_005360.5); c.476CCG[5], p.Ala162_Val163insAla (NM_001031804.3).
Identifiers: ClinVar variation 4848214 (VCV004848214.1).

ClinVar aggregate classification (germline): Uncertain significance (1 of 4 stars; one submission).

Submission:

Women's Health and Genetics/Laboratory Corporation of America, LabCorp
Classification: Uncertain significance. Last evaluated: 2026-02-19. Review status: criteria provided, single submitter. Criteria: LabCorp Variant Classification Summary - May 2015. Collection method: clinical testing. Allele origin: germline.
Comment: Variant summary: MAF c.485_487dupCCG (p.Ala162dup) results in an in-frame duplication that is predicted to duplicate one amino acid into the encoded protein. The frequency data for this variant in gnomAD is considered unreliable, as metrics indicate poor data quality at this position. To our knowledge, no occurrence of c.485_487dupCCG in individuals affected with MAF-related conditions and no experimental evidence demonstrating its impact on protein function have been reported. No submitters have cited clinical-significance assessments for this variant to ClinVar. Based on the evidence outlined above, the variant was classified as uncertain significance.